The following is an entry in ClinVar:

NM_001110556.2(FLNA):c.1764C>T (p.Gly588=)

Gene: FLNA (filamin A; minus strand). Cytogenetic location: Xq28.
Variant type: single nucleotide variant.
Coding change: c.1764C>T on transcript NM_001110556.2 (MANE Select); coding-DNA position 1764, C replaced by T.
Protein change: p.Gly588=; no amino-acid change (glycine 588 retained).
Molecular consequence: synonymous variant.
Genome position (GRCh38, 1-based): chrX:154,364,885, G>A on the plus strand (C>T on the coding strand, the complement: FLNA is on the minus strand). VCF-style: chrX-154364885-G-A. GRCh37 (hg19) VCF-style: chrX-153593253-G-A.
Other names: c.1764C>T, p.Gly588= (NM_001456.4); c.1764C>T (NM_001456.3, NM_001110556.1).
Identifiers: ClinVar variation 2153403 (VCV002153403.6), dbSNP rs781963604, ClinGen allele CA10561086.

ClinVar aggregate classification (germline): Conflicting classifications of pathogenicity. Review status: criteria provided, conflicting classifications (1 of 4 stars). 3 submissions from 3 submitters: Uncertain significance (2); Likely benign (1). Last evaluated 2026-05-15.

Conditions:
Oto-palato-digital syndrome, type II (OPD2). Also called: FACIOPALATOOSSEOUS SYNDROME; OPD II SYNDROME; Otopalatodigital Syndrome Type 2 (FLNA-OPD2); Otopalatodigital Syndrome, Type II. Identifiers: Orphanet 669, Orphanet 90652, MedGen C1844696, MONDO:0010571, OMIM 304120.
Frontometaphyseal dysplasia (FMD1). Identifiers: Orphanet 1826, MedGen C0265293, MONDO:0015942.
Heterotopia, periventricular, X-linked dominant (PVNH1). Also called: PERIVENTRICULAR NODULAR HETEROTOPIA 1; X-linked periventricular heterotopia; PERIVENTRICULAR NODULAR HETEROTOPIA 4; HETEROTOPIA, PERIVENTRICULAR, 1. Identifiers: Orphanet 2149, Orphanet 82004, MedGen C1848213, MONDO:0010233, OMIM 300049.
Melnick-Needles syndrome (MNS). Also called: MELNICK-NEEDLES OSTEODYSPLASTY; OSTEODYSPLASTY OF MELNICK AND NEEDLES; Melnick-Needles Syndrome (FLNA-MNS). Identifiers: Orphanet 2484, MedGen C0025237, MONDO:0010650, OMIM 309350.
FLNA-related disorder.
Familial thoracic aortic aneurysm and aortic dissection (TAAD). Also called: Thoracic aortic aneurysms and dissections. Identifiers: Orphanet 91387, MedGen C4707243, MONDO:0019625.

Allele frequency attached by ClinVar (database versions not stated): gnomAD exomes below 0.00001; ExAC 0.00001; TOPMed 0.00001.
gnomAD v4.1: 2 of 1,211,362 alleles (0.00017%); highest among the groups gnomAD compares: South Asian, 0.0018%; no homozygotes.

Submissions (3):

PreventionGenetics, part of Exact Sciences
Classification: Uncertain significance for FLNA-related condition. Last evaluated: 2026-05-15. Review status: criteria provided, single submitter. Criteria: ACMG Guidelines, 2015. Collection method: clinical testing. Allele origin: germline.
Comment: The FLNA c.1764C>T variant is not predicted to result in an amino acid change (p.=). This variant is predicted to result in a cryptic splice donor site (SpliceAI, Jaganathan et al. 2019. PubMed ID: 30661751). However, the use of computer prediction programs is not equivalent to functional evidence. To our knowledge, this variant has not been reported in the literature. This variant is reported in 0.0052% of alleles in individuals of South Asian descent in gnomAD. At this time, the clinical significance of this variant is uncertain due to the absence of conclusive functional and genetic evidence.

Ambry Genetics
Classification: Uncertain significance for Familial thoracic aortic aneurysm and aortic dissection. Last evaluated: 2026-02-03. Review status: criteria provided, single submitter. Criteria: Ambry Variant Classification Scheme 2023. Collection method: clinical testing. Allele origin: germline.
Comment: The c.1764C>T variant (also known as p.G588G), located in coding exon 11 of the FLNA gene, results from a C to T substitution at nucleotide position 1764. This nucleotide substitution does not change the amino acid at codon 588. Based on data from gnomAD, the T allele has an overall frequency of <0.01% (1/181543) total alleles studied, with 1 hemizygote(s) observed. The highest observed frequency was <0.01% (1/19066) of South Asian alleles. This nucleotide position is poorly conserved in available vertebrate species. In silico splice site analysis for this alteration is inconclusive. Based on the available evidence, the clinical significance of this variant remains unclear.

Labcorp Genetics (formerly Invitae), Labcorp
Classification: Likely benign for Oto-palato-digital syndrome, type II; Heterotopia, periventricular, X-linked dominant; Frontometaphyseal dysplasia; Melnick-Needles syndrome. Last evaluated: 2023-09-27. Review status: criteria provided, single submitter. Criteria: Invitae Variant Classification Sherloc (09022015). Collection method: clinical testing. Allele origin: germline.